The following is an entry in ClinVar:

ClinVar aggregate classification (germline): Benign/Likely benign. Review status: criteria provided, multiple submitters, no conflicts (2 of 4 stars). 3 submissions from 3 submitters: Benign (1); Likely benign (2). Last evaluated 2025-11-18.

Conditions:
Hereditary cancer-predisposing syndrome. Also called: Hereditary neoplastic syndrome; Neoplastic Syndromes, Hereditary; Tumor predisposition; Hereditary Cancer Syndrome. Identifiers: Orphanet 140162, MedGen C0027672, MeSH D009386, MONDO:0015356.
Familial adenomatous polyposis 1 (FAP1). Also called: POLYPOSIS, ADENOMATOUS INTESTINAL; FAMILIAL ADENOMATOUS POLYPOSIS 1, ATTENUATED. Identifiers: MedGen C2713442, MONDO:0021056, OMIM 175100. Disease mechanism: loss of function.

Submissions (3):

Ambry Genetics
Classification: Likely benign for Hereditary cancer-predisposing syndrome. Last evaluated: 2025-11-18. Review status: criteria provided, single submitter. Criteria: Ambry Variant Classification Scheme 2023. Collection method: clinical testing. Allele origin: germline.

Labcorp Genetics (formerly Invitae), Labcorp
Classification: Likely benign for Familial adenomatous polyposis 1. Last evaluated: 2025-08-21. Review status: criteria provided, single submitter. Criteria: Invitae Variant Classification Sherloc (09022015). Collection method: clinical testing. Allele origin: germline.

Myriad Genetics, Inc.
Classification: Benign for Familial adenomatous polyposis 1. Last evaluated: 2024-04-09. Review status: criteria provided, single submitter. Criteria: Myriad Autosomal Dominant, Autosomal Recessive and X-Linked Classification Criteria (2023). Collection method: clinical testing. Allele origin: unknown.
Comment: This variant is considered benign. This variant is a silent/synonymous amino acid change and it is not expected to impact splicing.

NM_000038.6(APC):c.7521C>T (p.Leu2507=)

Gene: APC (APC regulator of Wnt signaling pathway; plus strand). Cytogenetic location: 5q22.2.
Variant type: single nucleotide variant.
Coding change: c.7521C>T on transcript NM_000038.6 (MANE Select); coding-DNA position 7521, C replaced by T.
Protein change: p.Leu2507=; no amino-acid change (leucine 2507 retained).
Molecular consequence: synonymous variant. On other transcripts: non-coding transcript variant (2).
Genome position (GRCh38, 1-based): chr5:112,843,115, C>T. VCF-style: chr5-112843115-C-T. GRCh37 (hg19) VCF-style: chr5-112178812-C-T.
Other names: c.7521C>T, p.Leu2507= (NM_001127510.3, NM_001354895.2, NM_001407450.1); c.7467C>T, p.Leu2489= (NM_001127511.3); c.7575C>T, p.Leu2525= (NM_001354896.2, NM_001407447.1, NM_001407448.1 and 1 more transcripts); c.7551C>T, p.Leu2517= (NM_001354897.2); c.7446C>T, p.Leu2482= (NM_001354898.2); c.7437C>T, p.Leu2479= (NM_001354899.2); c.7398C>T, p.Leu2466= (NM_001354900.2); c.7344C>T, p.Leu2448= (NM_001354901.2, NM_001407453.1); and 12 more.
Identifiers: ClinVar variation 3253812 (VCV003253812.3), dbSNP rs1580683631.